The following is an entry in ClinVar:

NM_002471.4(MYH6):c.1677C>T (p.Gly559=)

Gene: MYH6 (myosin heavy chain 6; minus strand). Cytogenetic location: 14q11.2.
Variant type: single nucleotide variant.
Coding change: c.1677C>T on transcript NM_002471.4 (MANE Select); coding-DNA position 1677, C replaced by T.
Protein change: p.Gly559=; no amino-acid change (glycine 559 retained).
Molecular consequence: synonymous variant.
Genome position (GRCh38, 1-based): chr14:23,398,942, G>A on the plus strand (C>T on the coding strand, the complement: MYH6 is on the minus strand). VCF-style: chr14-23398942-G-A. GRCh37 (hg19) VCF-style: chr14-23868151-G-A.
Identifiers: ClinVar variation 537961 (VCV000537961.8), dbSNP rs1555334431, ClinGen allele CA485765549.

ClinVar aggregate classification (germline): Uncertain significance (1 of 4 stars; one submission).

Conditions:
Hypertrophic cardiomyopathy 14. Identifiers: MedGen C2750467, MONDO:0013197, OMIM 613251.

Submission:

Labcorp Genetics (formerly Invitae), Labcorp
Classification: Uncertain significance for Hypertrophic cardiomyopathy 14. Last evaluated: 2017-08-31. Review status: criteria provided, single submitter. Criteria: Invitae Variant Classification Sherloc (09022015). Collection method: clinical testing. Allele origin: germline.
Comment: This sequence change affects codon 559 of the MYH6 mRNA. It is a 'silent' change, meaning that it does not change the encoded amino acid sequence of the MYH6 protein. In summary, the available evidence is currently insufficient to determine the role of this variant in disease. Therefore, it has been classified as a Variant of Uncertain Significance. Algorithms developed to predict the effect of sequence changes on RNA splicing suggest that this variant may create or strengthen a splice site, but this prediction has not been confirmed by published transcriptional studies. This variant has not been reported in the literature in individuals with MYH6-related disease. This variant is not present in population databases (ExAC no frequency).